The following is an entry in ClinVar:

NM_152305.3(POGLUT1):c.394C>T (p.Arg132Ter)

Gene: POGLUT1 (protein O-glucosyltransferase 1; plus strand). Cytogenetic location: 3q13.33.
Variant type: single nucleotide variant.
Coding change: c.394C>T on transcript NM_152305.3 (MANE Select); coding-DNA position 394, C replaced by T.
Protein change: p.Arg132Ter; replaces arginine 132 with a stop codon.
Molecular consequence: nonsense. On other transcripts: non-coding transcript variant (1).
Genome position (GRCh38, 1-based): chr3:119,477,386, C>T. VCF-style: chr3-119477386-C-T. GRCh37 (hg19) VCF-style: chr3-119196233-C-T.
Other names: short protein forms R132*.
Identifiers: ClinVar variation 2435127 (VCV002435127.6), dbSNP rs140695299, ClinGen allele CA2554834.
Genomic context (GRCh38, chr3:119,477,386, plus strand): 5'-GAGCACTTTATTTTGGAAGTGATCGGGCGTCTCCCTGACATGGAGATGGTGATCAATGTA[C>T]GAGATTATCCTCAGGTTCCTAAATGGATGGAGCCTGCCATCCCAGTCTTCTCCTTCAGTA-3'

ClinVar aggregate classification (germline): Conflicting classifications of pathogenicity. Review status: criteria provided, conflicting classifications (1 of 4 stars). 2 submissions from 2 submitters: Pathogenic (1); Uncertain significance (1). Last evaluated 2025-07-28.

Allele frequency attached by ClinVar (database versions not stated): gnomAD 0.00002; 1000 Genomes Project 30x 0.00016; TOPMed 0.00002; ExAC 0.00003; 1000 Genomes Project 0.00020.
gnomAD v4.1: 17 of 1,613,958 alleles (0.0011%); highest among the groups gnomAD compares: East Asian, 0.0022%; no homozygotes.

Submissions (2):

Labcorp Genetics (formerly Invitae), Labcorp
Classification: Pathogenic. Last evaluated: 2025-07-28. Review status: criteria provided, single submitter. Criteria: Invitae Variant Classification Sherloc (09022015). Collection method: clinical testing. Allele origin: germline.
Comment: This sequence change creates a premature translational stop signal (p.Arg132*) in the POGLUT1 gene. It is expected to result in an absent or disrupted protein product. Loss-of-function variants in POGLUT1 are known to be pathogenic (PMID: 24387993). This variant is present in population databases (rs140695299, gnomAD 0.01%). This premature translational stop signal has been observed in individual(s) with Dowling–Degos disease (PMID: 24387993, 29931677). ClinVar contains an entry for this variant (Variation ID: 2435127). For these reasons, this variant has been classified as Pathogenic.

Revvity Omics, Revvity
Classification: Uncertain significance. Last evaluated: 2019-05-08. Review status: criteria provided, single submitter. Criteria: ACMG Guidelines, 2015. Collection method: clinical testing. Allele origin: germline.

Literature cited by the submitters: PubMed 24387993 (cited by Labcorp Genetics (formerly Invitae), Labcorp); PubMed 29931677 (cited by Labcorp Genetics (formerly Invitae), Labcorp).